The following is an entry in ClinVar:

NM_000186.4(CFH):c.2207G>A (p.Gly736Glu)

Gene: CFH (complement factor H; plus strand). Cytogenetic location: 1q31.3.
Variant type: single nucleotide variant.
Coding change: c.2207G>A on transcript NM_000186.4 (MANE Select); coding-DNA position 2207, G replaced by A.
Protein change: p.Gly736Glu; replaces glycine 736 with glutamic acid.
Molecular consequence: missense variant.
Genome position (GRCh38, 1-based): chr1:196,726,911, G>A. VCF-style: chr1-196726911-G-A. GRCh37 (hg19) VCF-style: chr1-196696041-G-A.
Other names: short protein forms G736E.
Identifiers: ClinVar variation 4291457 (VCV004291457.1).

ClinVar aggregate classification (germline): Uncertain significance (1 of 4 stars; one submission).

Conditions:
Atypical hemolytic-uremic syndrome. Identifiers: Orphanet 2134, MedGen C2931788, MONDO:0016244.

Submission:

Genomenon, Inc
Classification: Uncertain significance for Atypical hemolytic-uremic syndrome. Last evaluated: 2025-10-02. Review status: criteria provided, single submitter. Criteria: Genomenon Sequence Variant Interpretation Standards - Updated. Collection method: curation. Allele origin: germline. Affected: yes.
Comment: CFH p.Gly736Glu (c.2207G>A) is a missense variant that changes the amino acid at residue 736 from Glycine to Glutamic acid. This variant has been observed in at least one proband affected with atypical hemolytic-uremic syndrome (PMID:36680323). It is absent or not present at a significant frequency in gnomAD. In conclusion, we classify CFH p.Gly736Glu (c.2207G>A) as a variant of uncertain significance.

Literature cited by the submitters: PubMed 36680323.